The following is an entry in ClinVar:

ClinVar aggregate classification (germline): Pathogenic (1 of 4 stars; one submission).

Conditions:
Primary ciliary dyskinesia. Also called: Ciliary dyskinesia. Identifiers: Orphanet 244, MedGen C0008780, MONDO:0016575, HP:0012265.

Submission:

Labcorp Genetics (formerly Invitae), Labcorp
Classification: Pathogenic for Primary ciliary dyskinesia. Last evaluated: 2024-01-07. Review status: criteria provided, single submitter. Criteria: Invitae Variant Classification Sherloc (09022015). Collection method: clinical testing. Allele origin: germline.
Comment: This sequence change creates a premature translational stop signal (p.Ala1809Glnfs*10) in the DNAH5 gene. It is expected to result in an absent or disrupted protein product. Loss-of-function variants in DNAH5 are known to be pathogenic (PMID: 11788826, 16627867). This variant is not present in population databases (gnomAD no frequency). This variant has not been reported in the literature in individuals affected with DNAH5-related conditions. For these reasons, this variant has been classified as Pathogenic.

Literature cited by the submitters: PubMed 11788826; PubMed 16627867.

NM_001369.3(DNAH5):c.5424del (p.Ala1809fs)

Gene: DNAH5 (dynein axonemal heavy chain 5; minus strand). Cytogenetic location: 5p15.2.
Variant type: Deletion.
Coding change: c.5424del on transcript NM_001369.3 (MANE Select); coding-DNA position 5424, one base deleted (C; older notation c.5424delC).
Protein change: p.Ala1809fs; shifts the reading frame from alanine 1809.
Molecular consequence: frameshift variant.
Genome position (GRCh38, 1-based): chr5:13,841,752, G deleted on the plus strand (C on the coding strand, the reverse complement: DNAH5 is on the minus strand); the first of 2 consecutive G bases (chr5:13,841,752-13,841,753); deleting either gives the same sequence. VCF-style (leftmost placement, unchanged base first): chr5-13841751-CG-C. GRCh37 (hg19) VCF-style: chr5-13841860-CG-C.
Other names: short protein forms A1809fs.
Identifiers: ClinVar variation 2708179 (VCV002708179.3), dbSNP rs2546911114, ClinGen allele CA2697547063.
Genomic context (GRCh38, chr5:13,841,751, plus strand): 5'-CCTGAGCAGGGAAGGATGAAAGAAATTCAGTTAGTTGGAAACCTGTTTCTTGAATATTTG[CG>C]GCTGCCTGGCGAATCACAAGATGCAATGAGGACTGAGATTCTTCCAAAAGAGAATTAAGC-3'